The following is an entry in ClinVar:

ClinVar aggregate classification (germline): Uncertain significance (1 of 4 stars; one submission).

Submission:

GeneDx
Classification: Uncertain significance. Last evaluated: 2022-11-18. Review status: criteria provided, single submitter. Criteria: GeneDx Variant Classification Process June 2021. Collection method: clinical testing. Allele origin: germline. Affected: yes.
Comment: Not observed at significant frequency in large population cohorts (gnomAD); In silico analysis supports that this missense variant does not alter protein structure/function; Has not been previously published as pathogenic or benign to our knowledge

NM_015001.3(SPEN):c.1766G>A (p.Arg589Gln)

Gene: SPEN (spen family transcriptional repressor; plus strand). Cytogenetic location: 1p36.13.
Variant type: single nucleotide variant.
Coding change: c.1766G>A on transcript NM_015001.3 (MANE Select); coding-DNA position 1766, G replaced by A.
Protein change: p.Arg589Gln; replaces arginine 589 with glutamine.
Molecular consequence: missense variant.
Genome position (GRCh38, 1-based): chr1:15,922,265, G>A. VCF-style: chr1-15922265-G-A. GRCh37 (hg19) VCF-style: chr1-16248760-G-A.
Other names: short protein forms R589Q.
Identifiers: ClinVar variation 2502742 (VCV002502742.1), dbSNP rs2523059489, ClinGen allele CA338623110.